The following is an entry in ClinVar:

ClinVar aggregate classification (germline): Uncertain significance (1 of 4 stars; one submission).

Conditions:
Ullrich congenital muscular dystrophy 2 (UCMD2). Identifiers: Orphanet 75840, MedGen C4225314, MONDO:0014654, OMIM 616470.
Bethlem myopathy 2 (BTHLM2). Identifiers: Orphanet 536516, Orphanet 610, MedGen C4225313, MONDO:0034022, OMIM 616471.

gnomAD v4.1: 4 of 1,613,410 alleles (0.00025%); highest among the groups gnomAD compares: South Asian, 0.0011%; no homozygotes.

Submission:

Labcorp Genetics (formerly Invitae), Labcorp
Classification: Uncertain significance for Bethlem myopathy 2; Ullrich congenital muscular dystrophy 2. Last evaluated: 2024-06-17. Review status: criteria provided, single submitter. Criteria: Invitae Variant Classification Sherloc (09022015). Collection method: clinical testing. Allele origin: germline.
Comment: This sequence change replaces tyrosine, which is neutral and polar, with cysteine, which is neutral and slightly polar, at codon 1787 of the COL12A1 protein (p.Tyr1787Cys). This variant is present in population databases (no rsID available, gnomAD 0.007%). This variant has not been reported in the literature in individuals affected with COL12A1-related conditions. Advanced modeling of protein sequence and biophysical properties (such as structural, functional, and spatial information, amino acid conservation, physicochemical variation, residue mobility, and thermodynamic stability) has been performed at Invitae for this missense variant, however the output from this modeling did not meet the statistical confidence thresholds required to predict the impact of this variant on COL12A1 protein function. In summary, the available evidence is currently insufficient to determine the role of this variant in disease. Therefore, it has been classified as a Variant of Uncertain Significance.

NM_004370.6(COL12A1):c.5360A>G (p.Tyr1787Cys)

Gene: COL12A1 (collagen type XII alpha 1 chain; minus strand). Cytogenetic location: 6q13.
Variant type: single nucleotide variant.
Coding change: c.5360A>G on transcript NM_004370.6 (MANE Select); coding-DNA position 5360, A replaced by G.
Protein change: p.Tyr1787Cys; replaces tyrosine 1787 with cysteine.
Molecular consequence: missense variant.
Genome position (GRCh38, 1-based): chr6:75,137,471, T>C on the plus strand (A>G on the coding strand, the complement: COL12A1 is on the minus strand). VCF-style: chr6-75137471-T-C. GRCh37 (hg19) VCF-style: chr6-75847187-T-C.
Other names: c.1868A>G, p.Tyr623Cys (NM_080645.3, NM_001424116.1); c.5360A>G, p.Tyr1787Cys (NM_001424113.1); c.5339A>G, p.Tyr1780Cys (NM_001424114.1); c.5087A>G, p.Tyr1696Cys (NM_001424115.1); short protein forms Y1696C, Y1780C, Y1787C, Y623C.
Identifiers: ClinVar variation 3760877 (VCV003760877.2).